The following is an entry in ClinVar:

NM_177550.5(SLC13A5):c.98C>A (p.Ala33Asp)

Gene: SLC13A5 (solute carrier family 13 member 5; minus strand). Cytogenetic location: 17p13.1.
Variant type: single nucleotide variant.
Coding change: c.98C>A on transcript NM_177550.5 (MANE Select); coding-DNA position 98, C replaced by A.
Protein change: p.Ala33Asp; replaces alanine 33 with aspartic acid.
Molecular consequence: missense variant.
Genome position (GRCh38, 1-based): chr17:6,713,236, G>T on the plus strand (C>A on the coding strand, the complement: SLC13A5 is on the minus strand). VCF-style: chr17-6713236-G-T. GRCh37 (hg19) VCF-style: chr17-6616555-G-T.
Other names: c.98C>A, p.Ala33Asp (NM_001143838.3, NM_001284509.2, NM_001284510.2); short protein forms A33D.
Identifiers: ClinVar variation 2056832 (VCV002056832.1), dbSNP rs1296132660, ClinGen allele CA397753581.
Genomic context (GRCh38, chr17:6,713,236, plus strand): 5'-CGTTAGTGGGCACAGGACGCCGGGTGTCCGAAGGGCTGCCTGGAGATGCAACTGACCTTG[G>T]CGGGCATCAGAATGACGAGTGGCAGCAGCAGGAGCGGGGTGACGAACAAGATCACGAAGG-3'
Protein context (NP_808218.1, residues 23-43): LLLPLVILMP[Ala33Asp]KFVRCAYVII

ClinVar aggregate classification (germline): Uncertain significance (1 of 4 stars; one submission).

Conditions:
Developmental and epileptic encephalopathy, 25 (DEE25). Also called: Epileptic encephalopathy, early infantile, 25; Developmental and epileptic encephalopathy 25, with amelogenesis imperfecta; Epileptic encephalopathy, early infantile, 25, with amelogenesis imperfecta. Identifiers: Orphanet 442835, MedGen C4014621, MONDO:0014392, OMIM 615905.

Allele frequency attached by ClinVar (database versions not stated): gnomAD exomes below 0.00001; TOPMed 0.00001.

Submission:

Labcorp Genetics (formerly Invitae), Labcorp
Classification: Uncertain significance for Developmental and epileptic encephalopathy, 25. Last evaluated: 2022-05-10. Review status: criteria provided, single submitter. Criteria: Invitae Variant Classification Sherloc (09022015). Collection method: clinical testing. Allele origin: germline.
Comment: This sequence change replaces alanine, which is neutral and non-polar, with aspartic acid, which is acidic and polar, at codon 33 of the SLC13A5 protein (p.Ala33Asp). This variant is not present in population databases (gnomAD no frequency). This variant has not been reported in the literature in individuals affected with SLC13A5-related conditions. Algorithms developed to predict the effect of missense changes on protein structure and function output the following: SIFT: "Tolerated"; PolyPhen-2: "Benign"; Align-GVGD: "Class C0". The aspartic acid amino acid residue is found in multiple mammalian species, which suggests that this missense change does not adversely affect protein function. In summary, the available evidence is currently insufficient to determine the role of this variant in disease. Therefore, it has been classified as a Variant of Uncertain Significance.